The following is an entry in ClinVar:

ClinVar aggregate classification (germline): Uncertain significance. Review status: criteria provided, multiple submitters, no conflicts (2 of 4 stars). 4 submissions from 4 submitters: Uncertain significance (4). Last evaluated 2025-02-18.

Conditions:
Colorectal cancer. Also called: Malignant Colorectal Neoplasm; Colorectal cancer, somatic. Identifiers: MedGen C0346629, MONDO:0005575, OMIM 114500.
Hereditary cancer-predisposing syndrome. Also called: Tumor predisposition; Neoplastic Syndromes, Hereditary; Hereditary Cancer Syndrome; Hereditary neoplastic syndrome. Identifiers: Orphanet 140162, MedGen C0027672, MeSH D009386, MONDO:0015356.
Oligodontia-cancer predisposition syndrome. Also called: TOOTH AGENESIS-COLORECTAL CANCER SYNDROME. Identifiers: Orphanet 300576, MedGen C1837750, MONDO:0012075, OMIM 608615. Disease mechanism: loss of function.

Allele frequency attached by ClinVar (database versions not stated): gnomAD exomes below 0.00001 and 0.00001; ExAC 0.00004.

Submissions (4):

Quest Diagnostics Nichols Institute San Juan Capistrano
Classification: Uncertain significance. Last evaluated: 2025-02-18. Review status: criteria provided, single submitter. Criteria: Quest Diagnostics criteria. Collection method: clinical testing. Allele origin: unknown.
Comment: The AXIN2 c.1349C>T (p.Pro450Leu) variant has not been reported in individuals with AXIN2-related conditions in the published literature. The frequency of this variant in the general population (Genome Aggregation Database) is uninformative in the assessment of its pathogenicity. Analysis of this variant using bioinformatics tools for the prediction of the effect of amino acid changes on protein structure and function yielded predictions that this variant is damaging. Based on the available information, we are unable to determine the clinical significance of this variant.

Baylor Genetics
Classification: Uncertain significance for Colorectal cancer. Last evaluated: 2024-02-05. Review status: criteria provided, single submitter. Criteria: ACMG Guidelines, 2015. Collection method: clinical testing. Allele origin: unknown.

Labcorp Genetics (formerly Invitae), Labcorp
Classification: Uncertain significance for Oligodontia-cancer predisposition syndrome. Last evaluated: 2023-09-09. Review status: criteria provided, single submitter. Criteria: Invitae Variant Classification Sherloc (09022015). Collection method: clinical testing. Allele origin: germline.
Comment: In summary, the available evidence is currently insufficient to determine the role of this variant in disease. Therefore, it has been classified as a Variant of Uncertain Significance. Advanced modeling of protein sequence and biophysical properties (such as structural, functional, and spatial information, amino acid conservation, physicochemical variation, residue mobility, and thermodynamic stability) performed at Invitae indicates that this missense variant is expected to disrupt AXIN2 protein function. ClinVar contains an entry for this variant (Variation ID: 1380661). This variant has not been reported in the literature in individuals affected with AXIN2-related conditions. This variant is present in population databases (rs777265234, gnomAD 0.002%). This sequence change replaces proline, which is neutral and non-polar, with leucine, which is neutral and non-polar, at codon 450 of the AXIN2 protein (p.Pro450Leu).

Ambry Genetics
Classification: Uncertain significance for Hereditary cancer-predisposing syndrome. Last evaluated: 2023-04-14. Review status: criteria provided, single submitter. Criteria: Ambry Variant Classification Scheme 2023. Collection method: clinical testing. Allele origin: germline.
Comment: The p.P450L variant (also known as c.1349C>T), located in coding exon 5 of the AXIN2 gene, results from a C to T substitution at nucleotide position 1349. The proline at codon 450 is replaced by leucine, an amino acid with similar properties. This amino acid position is conserved. In addition, the in silico prediction for this alteration is inconclusive. Since supporting evidence is limited at this time, the clinical significance of this alteration remains unclear.

NM_004655.4(AXIN2):c.1349C>T (p.Pro450Leu)

Gene: AXIN2 (axin 2; minus strand). Cytogenetic location: 17q24.1.
Variant type: single nucleotide variant.
Coding change: c.1349C>T on transcript NM_004655.4 (MANE Select); coding-DNA position 1349, C replaced by T.
Protein change: p.Pro450Leu; replaces proline 450 with leucine.
Molecular consequence: missense variant.
Genome position (GRCh38, 1-based): chr17:65,537,687, G>A on the plus strand (C>T on the coding strand, the complement: AXIN2 is on the minus strand). VCF-style: chr17-65537687-G-A. GRCh37 (hg19) VCF-style: chr17-63533805-G-A.
Other names: c.1349C>T, p.Pro450Leu (NM_001363813.1); c.1349C>T (NM_004655.3); short protein forms P450L.
Identifiers: ClinVar variation 1380661 (VCV001380661.7), dbSNP rs777265234, ClinGen allele CA8718676.